The following is an entry in ClinVar:

ClinVar aggregate classification (germline): Uncertain significance. Review status: criteria provided, multiple submitters, no conflicts (2 of 4 stars). 2 submissions from 2 submitters: Uncertain significance (2). Last evaluated 2025-04-24.

Conditions:
Neuronal ceroid lipofuscinosis. Also called: Neuronal Ceroid Lipofuscinoses. Identifiers: Orphanet 216, Orphanet 79263, MedGen C0027877, MONDO:0016295. Disease mechanism: loss of function.

Allele frequency attached by ClinVar (database versions not stated): gnomAD 0.00001; ExAC 0.00002.

Submissions (2):

GeneDx
Classification: Uncertain significance. Last evaluated: 2025-04-24. Review status: criteria provided, single submitter. Criteria: GeneDx Variant Classification Process June 2021. Collection method: clinical testing. Allele origin: germline. Affected: yes.
Comment: Not observed at significant frequency in large population cohorts (gnomAD); In silico analysis supports that this missense variant has a deleterious effect on protein structure/function; Has not been previously published as pathogenic or benign to our knowledge

Labcorp Genetics (formerly Invitae), Labcorp
Classification: Uncertain significance for Neuronal ceroid lipofuscinosis. Last evaluated: 2022-02-11. Review status: criteria provided, single submitter. Criteria: Invitae Variant Classification Sherloc (09022015). Collection method: clinical testing. Allele origin: germline.
Comment: This sequence change replaces threonine, which is neutral and polar, with isoleucine, which is neutral and non-polar, at codon 19 of the CLN3 protein (p.Thr19Ile). This variant is present in population databases (rs758020045, gnomAD 0.002%). This variant has not been reported in the literature in individuals affected with CLN3-related conditions. Algorithms developed to predict the effect of missense changes on protein structure and function (SIFT, PolyPhen-2, Align-GVGD) all suggest that this variant is likely to be tolerated. In summary, the available evidence is currently insufficient to determine the role of this variant in disease. Therefore, it has been classified as a Variant of Uncertain Significance.

NM_001042432.2(CLN3):c.56C>T (p.Thr19Ile)

Gene: CLN3 (CLN3 lysosomal/endosomal transmembrane protein, battenin; minus strand). Cytogenetic location: 16p12.1.
Variant type: single nucleotide variant.
Coding change: c.56C>T on transcript NM_001042432.2 (MANE Select); coding-DNA position 56, C replaced by T.
Protein change: p.Thr19Ile; replaces threonine 19 with isoleucine.
Molecular consequence: missense variant. On other transcripts: intron variant (3).
Genome position (GRCh38, 1-based): chr16:28,491,551, G>A on the plus strand (C>T on the coding strand, the complement: CLN3 is on the minus strand). VCF-style: chr16-28491551-G-A. GRCh37 (hg19) VCF-style: chr16-28502872-G-A.
Other names: c.56C>T, p.Thr19Ile (NM_000086.2, NM_001286104.2); c.-38+163C>T (NM_001286109.2, NM_001286110.2); c.-96+163C>T (NM_001286105.2); short protein forms T19I.
Identifiers: ClinVar variation 1941389 (VCV001941389.3), dbSNP rs758020045, ClinGen allele CA7981087.